The following is an entry in ClinVar:

NM_004281.4(BAG3):c.785C>T (p.Ala262Val)

Gene: BAG3 (BAG cochaperone 3; plus strand). Cytogenetic location: 10q26.11.
Variant type: single nucleotide variant.
Coding change: c.785C>T on transcript NM_004281.4 (MANE Select); coding-DNA position 785, C replaced by T.
Protein change: p.Ala262Val; replaces alanine 262 with valine.
Molecular consequence: missense variant.
Genome position (GRCh38, 1-based): chr10:119,672,532, C>T. VCF-style: chr10-119672532-C-T. GRCh37 (hg19) VCF-style: chr10-121432044-C-T.
Other names: short protein forms A262V.
Identifiers: ClinVar variation 44789 (VCV000044789.26), dbSNP rs397516883, ClinGen allele CA135031.

ClinVar aggregate classification (germline): Conflicting classifications of pathogenicity. Review status: criteria provided, conflicting classifications (1 of 4 stars). 8 submissions from 8 submitters: Uncertain significance (4); Likely benign (4). Last evaluated 2026-01-14.

Conditions:
Cardiovascular phenotype. Identifiers: MedGen CN230736.
Myofibrillar myopathy 6. Identifiers: Orphanet 199340, MedGen C2751831, MONDO:0013061, OMIM 612954.
Dilated cardiomyopathy 1HH (CMD1HH). Identifiers: Orphanet 154, MedGen C3151293, MONDO:0013479, OMIM 613881.

Allele frequency attached by ClinVar (database versions not stated): gnomAD exomes 0.00005; TOPMed 0.00005; gnomAD 0.00006 and 0.00007; ExAC 0.00007; 1000 Genomes Project 0.00020; 1000 Genomes Project 30x 0.00031.
gnomAD v4.1: 94 of 1,613,824 alleles (0.0058%); highest among the groups gnomAD compares: Non-Finnish European, 0.0069%; no homozygotes.

Submissions (8):

Labcorp Genetics (formerly Invitae), Labcorp
Classification: Uncertain significance for Dilated cardiomyopathy 1HH; Myofibrillar myopathy 6. Last evaluated: 2026-01-14. Review status: criteria provided, single submitter. Criteria: Invitae Variant Classification Sherloc (09022015). Collection method: clinical testing. Allele origin: germline.
Comment: This sequence change replaces alanine, which is neutral and non-polar, with valine, which is neutral and non-polar, at codon 262 of the BAG3 protein (p.Ala262Val). This variant is present in population databases (rs397516883, gnomAD 0.01%). This missense change has been observed in individual(s) with dilated cardiomyopathy (DCM) (PMID: 28669108). ClinVar contains an entry for this variant (Variation ID: 44789). Invitae Evidence Modeling of protein sequence and biophysical properties (such as structural, functional, and spatial information, amino acid conservation, physicochemical variation, residue mobility, and thermodynamic stability) indicates that this missense variant is not expected to disrupt BAG3 protein function with a negative predictive value of 80%. In summary, the available evidence is currently insufficient to determine the role of this variant in disease. Therefore, it has been classified as a Variant of Uncertain Significance.

Women's Health and Genetics/Laboratory Corporation of America, LabCorp
Classification: Likely benign. Last evaluated: 2025-05-09. Review status: criteria provided, single submitter. Criteria: LabCorp Variant Classification Summary - May 2015. Collection method: clinical testing. Allele origin: germline.
Comment: Variant summary: BAG3 c.785C>T (p.Ala262Val) results in a non-conservative amino acid change in the encoded protein sequence. Algorithms developed to predict the effect of missense changes on protein structure and function are either unavailable or do not agree on the potential impact of this missense change. The variant allele was found at a frequency of 5.2e-05 in 250330 control chromosomes (gnomAD). The observed variant frequency is approximately 4 fold of the estimated maximal expected allele frequency for a pathogenic variant in BAG3 causing Dilated cardiomyopathy 1HH phenotype (1.2e-05). To our knowledge, no experimental evidence demonstrating its impact on protein function has been reported. ClinVar contains an entry for this variant (Variation ID: 44789). Based on the evidence outlined above, the variant was classified as likely benign.

Molecular Diagnostic Laboratory for Inherited Cardiovascular Disease, Montreal Heart Institute
Classification: Likely benign. Last evaluated: 2025-04-08. Review status: criteria provided, single submitter. Criteria: ACMG Guidelines, 2015. Collection method: clinical testing. Allele origin: germline. Affected: no.
Comment: BS1; BP4

Blueprint Genetics
Classification: Likely benign. Last evaluated: 2024-09-03. Review status: criteria provided, single submitter. Criteria: ACMG Guidelines, 2015. Collection method: clinical testing. Allele origin: germline.

Mayo Clinic Laboratories, Mayo Clinic
Classification: Uncertain significance. Last evaluated: 2024-05-14. Review status: criteria provided, single submitter. Criteria: ACMG Guidelines, 2015. Collection method: clinical testing. Allele origin: germline. Observed: 1 variant allele.
Comment: BP4

Ambry Genetics
Classification: Uncertain significance for Cardiovascular phenotype. Last evaluated: 2022-12-07. Review status: criteria provided, single submitter. Criteria: Ambry Variant Classification Scheme 2023. Collection method: clinical testing. Allele origin: germline.

GeneDx
Classification: Likely benign. Last evaluated: 2021-04-26. Review status: criteria provided, single submitter. Criteria: GeneDx Variant Classification Process June 2021. Collection method: clinical testing. Allele origin: germline. Affected: yes.
Comment: Reported in at least two members of one family with dilated cardiomyopathy and a family history of sudden cardiac death; however, an additional potentially disease-causing variant was also present in these individuals (Fernlund et al., 2017); This variant is associated with the following publications: (PMID: 21353195, 28669108)

Laboratory for Molecular Medicine, Mass General Brigham Personalized Medicine
Classification: Uncertain significance. Last evaluated: 2013-01-14. Review status: criteria provided, single submitter. Criteria: LMM Criteria. Collection method: clinical testing. Allele origin: germline. Observed: 2 variant alleles.
Comment: The Ala262Val variant has not been identifi ed in large European American and African American populations by NHLBI Exome Se quencing Project, though it may be common in other populations. Alanine (Ala) at position 262 is not conserved in mammals or evolutionarily distant species and horse carries a valine (Val; this variant), s uggesting that this change may be tolerated. Additional computational analyses ( biochemical amino acid properties, AlignGVGD, PolyPhen2, and SIFT) also suggest that the Ala262Val variant may not impact the protein, though this information i s not predictive enough to rule out pathogenicity. A different variant (Ala262Th r) at the same position has been reported in two brothers with familial DCM (Nor ton 2011), though the significance of this variant is also unclear. In summary, additional information is needed to fully assess the clinical significance of th e Ala262Val variant.

Literature cited by the submitters: PubMed 28669108 (cited by Labcorp Genetics (formerly Invitae), Labcorp and Mayo Clinic Laboratories, Mayo Clinic); PubMed 21353195 (cited by Mayo Clinic Laboratories, Mayo Clinic and Laboratory for Molecular Medicine, Mass General Brigham Personalized Medicine); PubMed 36642055 (cited by Mayo Clinic Laboratories, Mayo Clinic).